The following is an entry in ClinVar:

NM_024675.3:c.2099_2100insALU

Gene: PALB2 (partner and localizer of BRCA2; minus strand).
Variant type: Insertion.
Identifiers: ClinVar variation 1785834 (VCV001785834.2).

ClinVar aggregate classification (germline): Likely pathogenic (1 of 4 stars; one submission).

Conditions:
Hereditary cancer-predisposing syndrome. Also called: Neoplastic Syndromes, Hereditary; Tumor predisposition; Hereditary Cancer Syndrome; Hereditary neoplastic syndrome. Identifiers: Orphanet 140162, MedGen C0027672, MeSH D009386, MONDO:0015356.

Submission:

Ambry Genetics
Classification: Likely pathogenic for Hereditary cancer-predisposing syndrome. Last evaluated: 2022-05-24. Review status: criteria provided, single submitter. Criteria: Ambry Variant Classification Scheme 2023. Collection method: clinical testing. Allele origin: germline.
Comment: The c.2099_2100insAlu likely pathogenic variant results from the insertion of an Alu element between nucleotides 2099 and 2100 in coding exon 5 of the PALB2 gene. Mobile element insertions contribute to pathogenicity by either disrupting the coding sequence or inducing aberrant splicing (Belancio VP et al. Semin. Cancer Biol. 2010 Aug;20:200-10; Deininger P et al. Genome Biol. 2011 Dec;12:236; van der Klift HM. Hum Mutat. 2012 Jul;33(7):1051-5). Based on the majority of available evidence to date, this variant is likely to be pathogenic.